The following is an entry in ClinVar:

ClinVar aggregate classification (germline): Uncertain significance (1 of 4 stars; one submission).

Conditions:
Primary open angle glaucoma (POAG). Also called: OPTN-related open angle glaucoma. Identifiers: MedGen C0339573, MONDO:0100553, OMIM 137760.
Glaucoma 1, open angle, E. Identifiers: MedGen C1842026, MONDO:0007665.
Amyotrophic lateral sclerosis type 12 (ALS12). Also called: AMYOTROPHIC LATERAL SCLEROSIS 12 WITH OR WITHOUT FRONTOTEMPORAL DEMENTIA. Identifiers: Orphanet 803, MedGen C3150692, MONDO:0013264, OMIM 613435.

gnomAD v4.1: 2 of 1,613,660 alleles (0.00012%); highest among the groups gnomAD compares: South Asian, 0.0022%; no homozygotes.

Submission:

Labcorp Genetics (formerly Invitae), Labcorp
Classification: Uncertain significance for Primary open angle glaucoma; Glaucoma 1, open angle, E; Amyotrophic lateral sclerosis type 12. Last evaluated: 2023-08-25. Review status: criteria provided, single submitter. Criteria: Invitae Variant Classification Sherloc (09022015). Collection method: clinical testing. Allele origin: germline.
Comment: This variant has not been reported in the literature in individuals affected with OPTN-related conditions. This variant is not present in population databases (gnomAD no frequency). This sequence change replaces threonine, which is neutral and polar, with arginine, which is basic and polar, at codon 318 of the OPTN protein (p.Thr318Arg). Advanced modeling of protein sequence and biophysical properties (such as structural, functional, and spatial information, amino acid conservation, physicochemical variation, residue mobility, and thermodynamic stability) performed at Invitae indicates that this missense variant is not expected to disrupt OPTN protein function. In summary, the available evidence is currently insufficient to determine the role of this variant in disease. Therefore, it has been classified as a Variant of Uncertain Significance.

NM_001008212.2(OPTN):c.953C>G (p.Thr318Arg)

Gene: OPTN (optineurin; plus strand). Cytogenetic location: 10p13.
Variant type: single nucleotide variant.
Coding change: c.953C>G on transcript NM_001008212.2 (MANE Select); coding-DNA position 953, C replaced by G.
Protein change: p.Thr318Arg; replaces threonine 318 with arginine.
Molecular consequence: missense variant.
Genome position (GRCh38, 1-based): chr10:13,124,065, C>G. VCF-style: chr10-13124065-C-G. GRCh37 (hg19) VCF-style: chr10-13166065-C-G.
Other names: c.953C>G, p.Thr318Arg (NM_001008211.1, NM_001008213.1, NM_021980.4); short protein forms T318R.
Identifiers: ClinVar variation 2951203 (VCV002951203.3), dbSNP rs2539065127, ClinGen allele CA376029070.
Genomic context (GRCh38, chr10:13,124,065, plus strand): 5'-AAGTGGAAGCACTGAACCTCCAGGTGACATCTCTGTTTAAGGAGCTTCAAGAGGCTCATA[C>G]AAAACTCAGCGAAGCTGAGCTAATGAAGAAGAGACTTCAAGAAAAGTAAGAATGAGAGAG-3'
Protein context (NP_001008213.1, residues 308-328): SLFKELQEAH[Thr318Arg]KLSEAELMKK